The following is an entry in ClinVar:

ClinVar aggregate classification (germline): Conflicting classifications of pathogenicity. Review status: criteria provided, conflicting classifications (1 of 4 stars). 4 submissions from 4 submitters: Likely pathogenic (1); Uncertain significance (2). 1 of the submissions does not count toward it. Last evaluated 2026-03-12.

Conditions:
Alkaptonuria (AKU). Also called: Alcaptonuria; HOMOGENTISIC ACID OXIDASE DEFICIENCY; Homogentisic acidura; Alkaptonuric ochronosis. Identifiers: Orphanet 56, MedGen C0002066, MONDO:0008753, OMIM 203500.

Allele frequency attached by ClinVar (database versions not stated): TOPMed below 0.00001; ExAC 0.00001.
gnomAD v4.1: 5 of 1,612,762 alleles (0.00031%); highest among the groups gnomAD compares: Non-Finnish European, 0.00034%; no homozygotes.

Submissions (4):

Myriad Genetics, Inc.
Classification: Uncertain significance for Alkaptonuria. Last evaluated: 2026-03-12. Review status: criteria provided, single submitter. Criteria: Myriad Autosomal Dominant, Autosomal Recessive and X-Linked Classification Criteria (2023). Collection method: clinical testing. Allele origin: unknown.
Comment: NM_000187.3(HGD):c.549G>T(Q183H) is a missense variant classified as a variant of uncertain significance in the context of alkaptonuria. Q183H has been observed in a case with relevant disease (PMID: 19862842). Relevant functional assessments of this variant are not available in the literature. Q183H has been observed in referenced population frequency databases. In summary, there is insufficient evidence to classify NM_000187.3(HGD):c.549G>T(Q183H) as pathogenic or benign. Please note: this variant was assessed in the context of healthy population screening.

Women's Health and Genetics/Laboratory Corporation of America, LabCorp
Classification: Uncertain significance. Last evaluated: 2024-03-18. Review status: criteria provided, single submitter. Criteria: LabCorp Variant Classification Summary - May 2015. Collection method: clinical testing. Allele origin: germline.
Comment: Variant summary: HGD c.549G>T (p.Gln183His) results in a non-conservative amino acid change located in the Homogentisate 1,2-dioxygenase, N-terminal domain (IPR046452) of the encoded protein sequence. Five of five in-silico tools predict a damaging effect of the variant on protein function. This variant alters the last nucleotide of exon 8. Several computational tools predict a significant impact on normal splicing: Four predict the variant abolishes the canonical 5' splicing donor site. However, these predictions have yet to be confirmed by functional studies. The variant allele was found at a frequency of 4e-06 in 251166 control chromosomes. The available data on variant occurrences in the general population are insufficient to allow any conclusion about variant significance. c.549G>T has been reported in the literature in one individual affected with Alkaptonuria (Vilboux_2009). These data do not allow any conclusion about variant significance. To our knowledge, no experimental evidence demonstrating an impact on protein function has been reported. The following publication have been ascertained in the context of this evaluation (PMID: 19862842). ClinVar contains an entry for this variant (Variation ID: 2627701). Based on the evidence outlined above, the variant was classified as uncertain significance.

Fulgent Genetics
Classification: Likely pathogenic for Alkaptonuria. Last evaluated: 2024-03-06. Review status: criteria provided, single submitter. Criteria: ACMG Guidelines, 2015. Collection method: clinical testing. Allele origin: germline.

Department Of Human Genetics, Institute Of Clinical And Translational Research, Biomedical Research Center, Slovak Academy Of Sciences
Classification: Pathogenic for Alkaptonuria. Review status: no assertion criteria provided. Collection method: research. Allele origin: germline. Inheritance: Autosomal recessive inheritance. Affected: yes. Observed: 1 variant allele. Not counted in ClinVar's aggregate classification.
Comment: The variant was originally described in AKU patient in PMID:19862842. It has been submitted to the HGD gene mutation database (DB-ID: AKU_00058).

Literature cited by the submitters: PubMed 19862842 (cited by 3 submitters).

NM_000187.4(HGD):c.549G>T (p.Gln183His)

Gene: HGD (homogentisate 1,2-dioxygenase; minus strand). Cytogenetic location: 3q13.33.
Variant type: single nucleotide variant.
Coding change: c.549G>T on transcript NM_000187.4 (MANE Select); coding-DNA position 549, G replaced by T.
Protein change: p.Gln183His; replaces glutamine 183 with histidine.
Molecular consequence: missense variant.
Genome position (GRCh38, 1-based): chr3:120,646,973, C>A on the plus strand (G>T on the coding strand, the complement: HGD is on the minus strand). VCF-style: chr3-120646973-C-A. GRCh37 (hg19) VCF-style: chr3-120365820-C-A.
Other names: short protein forms Q183H.
Identifiers: ClinVar variation 2627701 (VCV002627701.5), dbSNP rs759615683, ClinGen allele CA2560164.